The following is an entry in ClinVar:

ClinVar aggregate classification (germline): Uncertain significance (1 of 4 stars; one submission).

Conditions:
Aortic aneurysm, familial thoracic 4 (AAT4). Also called: AORTIC ANEURYSM/AORTIC DISSECTION AND PATENT DUCTUS ARTERIOSUS. Identifiers: MedGen C1851504, MONDO:0007568, OMIM 132900.

Submission:

Labcorp Genetics (formerly Invitae), Labcorp
Classification: Uncertain significance for Aortic aneurysm, familial thoracic 4. Last evaluated: 2024-01-06. Review status: criteria provided, single submitter. Criteria: Invitae Variant Classification Sherloc (09022015). Collection method: clinical testing. Allele origin: germline.
Comment: This sequence change falls in intron 38 of the MYH11 gene. It does not directly change the encoded amino acid sequence of the MYH11 protein. This variant is not present in population databases (gnomAD no frequency). This variant has not been reported in the literature in individuals affected with MYH11-related conditions. This variant is also known as c.5317-17_5361dup (p.Gln1788Phefs*85). Experimental studies and prediction algorithms are not available or were not evaluated, and the effect of this variant on mRNA splicing is currently unknown. In summary, the available evidence is currently insufficient to determine the role of this variant in disease. Therefore, it has been classified as a Variant of Uncertain Significance.

NM_002474.3(MYH11):c.5296-17_5340dup

Genes: NDE1 (nudE neurodevelopment protein 1; plus strand), MYH11 (myosin heavy chain 11; minus strand). Cytogenetic location: 16p13.11.
Variant type: Duplication.
Coding change: c.5296-17_5340dup on transcript NM_002474.3 (MANE Select); 17 bases into the intron before coding-DNA position 5296 through coding-DNA position 5340, 62 bases duplicated.
Molecular consequence: splice acceptor variant. On other transcripts: intron variant (2).
Genome position (GRCh38, 1-based): chr16:15,717,304-15,717,365, 62 bases duplicated. GRCh37 (hg19): chr16:15,811,165-15,811,226.
Other names: c.948-6883_948-6822dup (NM_001143979.2, NM_017668.3); c.5296-17_5340dup (NM_022844.3); c.5317-17_5361dup (NM_001040114.2, NM_001040113.2).
Identifiers: ClinVar variation 2707933 (VCV002707933.3), dbSNP rs2506084152, ClinGen allele CA2697555677.